The following is an entry in ClinVar:

ClinVar aggregate classification (germline): Benign (1 of 4 stars; one submission).

Submission:

GeneDx
Classification: Benign. Last evaluated: 2018-06-14. Review status: criteria provided, single submitter. Criteria: GeneDx Variant Classification (06012015). Collection method: clinical testing. Allele origin: germline. Affected: yes.
Comment: This variant is considered likely benign or benign based on one or more of the following criteria: it is a conservative change, it occurs at a poorly conserved position in the protein, it is predicted to be benign by multiple in silico algorithms, and/or has population frequency not consistent with disease.

NM_000069.3(CACNA1S):c.2063+331del

Gene: CACNA1S (calcium voltage-gated channel subunit alpha1 S; minus strand). Cytogenetic location: 1q32.1.
Variant type: Deletion.
Coding change: c.2063+331del on transcript NM_000069.3 (MANE Select); 331 bases into the intron after coding-DNA position 2063, one base deleted (G; older notation c.2063+331delG).
Molecular consequence: intron variant.
Genome position (GRCh38, 1-based): chr1:201,074,175, C deleted on the plus strand (G on the coding strand, the reverse complement: CACNA1S is on the minus strand); the first of 3 consecutive C bases (chr1:201,074,175-201,074,177); deleting any one gives the same sequence. VCF-style (leftmost placement, unchanged base first): chr1-201074174-GC-G. GRCh37 (hg19) VCF-style: chr1-201043302-GC-G.
Identifiers: ClinVar variation 671068 (VCV000671068.1), dbSNP rs34878705, ClinGen allele CA35975211.